The following is an entry in ClinVar:

ClinVar aggregate classification (germline): Likely pathogenic (1 of 4 stars; one submission).

Conditions:
CLCN2-related disorder. Also called: CLCN2-related disorders; CLCN2-related condition.

Allele frequency attached by ClinVar (database versions not stated): gnomAD exomes below 0.00001.
gnomAD v4.1: 2 of 1,613,678 alleles (0.00012%); highest among the groups gnomAD compares: Non-Finnish European, 0.00017%; no homozygotes.

Submission:

Women's Health and Genetics/Laboratory Corporation of America, LabCorp
Classification: Likely pathogenic for CLCN2-Related Disorders. Last evaluated: 2024-03-11. Review status: criteria provided, single submitter. Criteria: LabCorp Variant Classification Summary - May 2015. Collection method: clinical testing. Allele origin: germline.
Comment: Variant summary: CLCN2 c.63+1G>A is located in a canonical splice-site and is predicted to affect mRNA splicing resulting in a significantly altered protein due to either exon skipping, shortening, or inclusion of intronic material. Several computational tools predict a significant impact on normal splicing: Four predict the variant abolishes a 5' splicing donor site. However, these predictions have yet to be confirmed by functional studies. The variant was absent in 248524 control chromosomes. To our knowledge, no occurrence of c.63+1G>A in individuals affected with CLCN2-Related Disorders and no experimental evidence demonstrating its impact on protein function have been reported. No submitters have cited clinical-significance assessments for this variant to ClinVar. Based on the evidence outlined above, the variant was classified as likely pathogenic.

NM_004366.6(CLCN2):c.63+1G>A

Genes: CLCN2 (chloride voltage-gated channel 2; minus strand), LOC129938055 (ATAC-STARR-seq lymphoblastoid silent region 14964; plus strand). Cytogenetic location: 3q27.1.
Variant type: single nucleotide variant.
Coding change: c.63+1G>A on transcript NM_004366.6 (MANE Select); the canonical splice donor site of the intron after coding-DNA position 63, G replaced by A.
Molecular consequence: splice donor variant.
Genome position (GRCh38, 1-based): chr3:184,361,416, C>T on the plus strand (G>A on the coding strand, the complement: CLCN2 is on the minus strand). VCF-style: chr3-184361416-C-T. GRCh37 (hg19) VCF-style: chr3-184079204-C-T.
Other names: c.63+1G>A (NM_001171088.3, NM_001171087.3, NM_001171089.3).
Identifiers: ClinVar variation 3242580 (VCV003242580.2), dbSNP rs2474277095.